The following is an entry in ClinVar:

NM_032043.3(BRIP1):c.3128G>C (p.Ser1043Thr)

Gene: BRIP1 (BRCA1 interacting DNA helicase 1; minus strand). Cytogenetic location: 17q23.2.
Variant type: single nucleotide variant.
Coding change: c.3128G>C on transcript NM_032043.3 (MANE Select); coding-DNA position 3128, G replaced by C.
Protein change: p.Ser1043Thr; replaces serine 1043 with threonine.
Molecular consequence: missense variant.
Genome position (GRCh38, 1-based): chr17:61,683,918, C>G on the plus strand (G>C on the coding strand, the complement: BRIP1 is on the minus strand). VCF-style: chr17-61683918-C-G. GRCh37 (hg19) VCF-style: chr17-59761279-C-G.
Other names: short protein forms S1043T.
Identifiers: ClinVar variation 1727915 (VCV001727915.3), dbSNP rs1555572825, ClinGen allele CA400479632.

ClinVar aggregate classification (germline): Uncertain significance (1 of 4 stars; one submission).

Conditions:
Hereditary cancer-predisposing syndrome. Also called: Tumor predisposition; Neoplastic Syndromes, Hereditary; Hereditary Cancer Syndrome; Hereditary neoplastic syndrome. Identifiers: Orphanet 140162, MedGen C0027672, MeSH D009386, MONDO:0015356.

Submission:

Ambry Genetics
Classification: Uncertain significance for Hereditary cancer-predisposing syndrome. Last evaluated: 2023-03-24. Review status: criteria provided, single submitter. Criteria: Ambry Variant Classification Scheme 2023. Collection method: clinical testing. Allele origin: germline.
Comment: The p.S1043T variant (also known as c.3128G>C), located in coding exon 19 of the BRIP1 gene, results from a G to C substitution at nucleotide position 3128. The serine at codon 1043 is replaced by threonine, an amino acid with similar properties. This amino acid position is poorly conserved in available vertebrate species. In addition, this alteration is predicted to be tolerated by in silico analysis. Since supporting evidence is limited at this time, the clinical significance of this alteration remains unclear.